The following is an entry in ClinVar:

NM_001371904.1(APOA5):c.433C>T (p.Gln145Ter)

Gene: APOA5 (apolipoprotein A5; minus strand). Cytogenetic location: 11q23.3.
Variant type: single nucleotide variant.
Coding change: c.433C>T on transcript NM_001371904.1 (MANE Select); coding-DNA position 433, C replaced by T.
Protein change: p.Gln145Ter; replaces glutamine 145 with a stop codon.
Molecular consequence: nonsense.
Genome position (GRCh38, 1-based): chr11:116,790,796, G>A on the plus strand (C>T on the coding strand, the complement: APOA5 is on the minus strand). VCF-style: chr11-116790796-G-A. GRCh37 (hg19) VCF-style: chr11-116661512-G-A.
Other names: c.433C>T, p.Gln145Ter (NM_001166598.2, NM_052968.5); short protein forms Q145*.
Identifiers: ClinVar variation 4996011 (VCV004996011.1).

ClinVar aggregate classification (germline): Pathogenic (1 of 4 stars; one submission).

Conditions:
APOA5-related disorder. Also called: APOA5-related condition.

Submission:

PreventionGenetics, part of Exact Sciences
Classification: Pathogenic for APOA5-related condition. Last evaluated: 2025-12-16. Review status: criteria provided, single submitter. Criteria: ACMG Guidelines, 2015. Collection method: clinical testing. Allele origin: germline.
Comment: The APOA5 c.433C>T variant is predicted to result in premature protein termination (p.Gln145*). This variant has been reported in the homozygous state in an individual with severe hypertriglyceridemia (Priore Oliva et al. 2005. PubMed ID: 15591215). This variant is not reported in a large population database (gnomAD), indicating this variant is rare. Nonsense variants in APOA5 are expected to be pathogenic. This variant is interpreted as pathogenic.